The following is an entry in ClinVar:

NM_006852.6(TLK2):c.1366A>T (p.Lys456Ter)

Gene: TLK2 (tousled like kinase 2; plus strand). Cytogenetic location: 17q23.2.
Variant type: single nucleotide variant.
Coding change: c.1366A>T on transcript NM_006852.6 (MANE Select); coding-DNA position 1366, A replaced by T.
Protein change: p.Lys456Ter; replaces lysine 456 with a stop codon.
Molecular consequence: nonsense.
Genome position (GRCh38, 1-based): chr17:62,580,190, A>T. VCF-style: chr17-62580190-A-T. GRCh37 (hg19) VCF-style: chr17-60657551-A-T.
Other names: c.1366A>T, p.Lys456Ter (NM_001375270.1, NM_001375271.1); c.1270A>T, p.Lys424Ter (NM_001375272.1, NM_001284363.1); c.919A>T, p.Lys307Ter (NM_001375273.1, NM_001330418.3); c.1432A>T, p.Lys478Ter (NM_001284333.3); c.1408A>T, p.Lys470Ter (NM_001375269.1); short protein forms K307*, K424*, K456*, K470*, K478*.
Identifiers: ClinVar variation 1699127 (VCV001699127.3), dbSNP rs2146767502, ClinGen allele CA400504520.

ClinVar aggregate classification (germline): Pathogenic (1 of 4 stars; one submission).

Conditions:
Intellectual developmental disorder, autosomal dominant 57. Also called: MENTAL RETARDATION, AUTOSOMAL DOMINANT 57; Intellectual disability, autosomal dominant 57. Identifiers: MedGen C4748003, MONDO:0054837, OMIM 618050.

Submission:

Victorian Clinical Genetics Services, Murdoch Childrens Research Institute
Classification: Pathogenic for Intellectual developmental disorder, autosomal dominant 57. Last evaluated: 2019-08-28. Review status: criteria provided, single submitter. Criteria: ACMG Guidelines, 2015. Collection method: clinical testing. Allele origin: germline. Inheritance: Autosomal dominant inheritance. Affected: yes.
Comment: A heterozygous nonsense variant was identified, NM_001284333.1(TLK2):c.1432A>T in exon 16 of 23 of the TLK2 gene. This variant is predicted to create a change of lysine to a stop codon at amino acid position 478 of the protein, NP_001271262.1(TLK2):p.(Lys478*), resulting in the loss of normal protein function through nonsense-mediated decay (NMD). This variant may also cause a splice site change leading to aberrant splicing. Further testing via RNA studies are required to confirm if splicing is altered. The nucleotide at this position has high conservation (PhyloP UCSC), however, in silico splice site prediction software does not predict the variant to cause aberrant splicing (NetGene2, Fruit fly, Human Splicing Finder). The variant is not present in the gnomAD population database, and has not been previously reported in clinical cases. Other variants predicted to cause NMD have been reported as pathogenic in individuals with autosomal dominant intellectual disability 57 (Reijnders, M. et al. (2018); ClinVar). Based on information available at the time of curation, this variant has been classified as PATHOGENIC.